The following is an entry in ClinVar:

ClinVar aggregate classification (germline): Likely benign (0 of 4 stars; one submission).

Conditions:
POLR3A-related disorder. Also called: POLR3A-related condition; POLR3A-related disorders. Identifiers: MedGen CN378587, MONDO:0700276.

Submission:

PreventionGenetics, part of Exact Sciences
Classification: Likely benign for POLR3A-related condition. Last evaluated: 2021-11-09. Review status: no assertion criteria provided. Collection method: clinical testing. Allele origin: germline.
Comment: This variant is classified as likely benign based on ACMG/AMP sequence variant interpretation guidelines (Richards et al. 2015 PMID: 25741868, with internal and published modifications).

NM_007055.4(POLR3A):c.2085T>C (p.Gly695=)

Gene: POLR3A (RNA polymerase III subunit A; minus strand). Cytogenetic location: 10q22.3.
Variant type: single nucleotide variant.
Coding change: c.2085T>C on transcript NM_007055.4 (MANE Select); coding-DNA position 2085, T replaced by C.
Protein change: p.Gly695=; no amino-acid change (glycine 695 retained).
Molecular consequence: synonymous variant.
Genome position (GRCh38, 1-based): chr10:78,004,878, A>G on the plus strand (T>C on the coding strand, the complement: POLR3A is on the minus strand). VCF-style: chr10-78004878-A-G. GRCh37 (hg19) VCF-style: chr10-79764636-A-G.
Identifiers: ClinVar variation 3029314 (VCV003029314.2), dbSNP rs2493213200, ClinGen allele CA470397737.